The following is an entry in ClinVar:

ClinVar aggregate classification (germline): Pathogenic (1 of 4 stars; one submission).

Conditions:
Charlevoix-Saguenay spastic ataxia (SACS). Also called: SPASTIC ATAXIA 6, AUTOSOMAL RECESSIVE; AUTOSOMAL RECESSIVE SPASTIC ATAXIA OF CHARLEVOIX-SAGUENAY; Spastic ataxia of Charlevoix-Saguenay. Identifiers: Orphanet 98, MedGen C1849140, MONDO:0010041, OMIM 270550.

Submission:

Myriad Genetics, Inc.
Classification: Pathogenic for Charlevoix-Saguenay spastic ataxia. Last evaluated: 2026-02-02. Review status: criteria provided, single submitter. Criteria: Myriad Autosomal Dominant, Autosomal Recessive and X-Linked Classification Criteria (2023). Collection method: clinical testing. Allele origin: unknown.
Comment: NM_014363.4(SACS):c.12454delG(E4152Nfs*22) is a frameshift variant classified as pathogenic in the context of autosomal recessive spastic ataxia of Charlevoix-Saguenay. E4152Nfs*22 has not been observed in cases with relevant disease. Relevant functional assessments of this variant are not available in the literature. E4152Nfs*22 has not been observed in referenced population frequency databases. In summary, NM_014363.4(SACS):c.12454delG(E4152Nfs*22) is a frameshift variant in a gene where loss of function is a known mechanism of disease and is predicted to disrupt protein function. Please note: this variant was assessed in the context of healthy population screening.

NM_014363.6(SACS):c.12454del (p.Glu4152fs)

Gene: SACS (sacsin molecular chaperone; minus strand). Cytogenetic location: 13q12.12.
Variant type: Deletion.
Coding change: c.12454del on transcript NM_014363.6 (MANE Select); coding-DNA position 12454, one base deleted (G; older notation c.12454delG).
Protein change: p.Glu4152fs; shifts the reading frame from glutamic acid 4152.
Molecular consequence: frameshift variant.
Genome position (GRCh38, 1-based): chr13:23,331,422, C deleted on the plus strand (G on the coding strand, the reverse complement: SACS is on the minus strand); the first of 2 consecutive C bases (chr13:23,331,422-23,331,423); deleting either gives the same sequence. VCF-style (leftmost placement, unchanged base first): chr13-23331421-TC-T. GRCh37 (hg19) VCF-style: chr13-23905560-TC-T.
Other names: c.12013del, p.Glu4005fs (NM_001278055.2); c.12481del, p.Glu4161fs (NM_001437336.1); short protein forms E4005fs, E4161fs, E4152fs.
Identifiers: ClinVar variation 5003323 (VCV005003323.1).